The following is an entry in ClinVar:

NM_001127511.3(APC):c.165+22188A>T

Gene: APC (APC regulator of Wnt signaling pathway; plus strand). Cytogenetic location: 5q22.2.
Variant type: single nucleotide variant.
Coding change: c.165+22188A>T on transcript NM_001127511.3; 22188 bases into the intron after coding-DNA position 165, A replaced by T.
Molecular consequence: intron variant.
Genome position (GRCh38, 1-based): chr5:112,730,070, A>T. VCF-style: chr5-112730070-A-T. GRCh37 (hg19) VCF-style: chr5-112065767-A-T.
Other names: c.-19+22421A>T (NM_001407458.1, NM_001407448.1, NM_001407450.1 and 1 more transcripts); c.-43+22421A>T (NM_001407453.1); c.-1054+22188A>T (NM_001407470.1, NM_001407472.1); c.-19+22188A>T (NM_001407447.1, NM_001354895.2, NM_001407456.1 and 3 more transcripts); c.165+22188A>T (NM_001407446.1, NM_001354897.2, NM_001354902.2).
Identifiers: ClinVar variation 82304 (VCV000082304.4), dbSNP rs77575331, ClinGen allele CA023541.

ClinVar aggregate classification (germline): other (0 of 4 stars; one submission).

Conditions:
Familial colorectal cancer. Identifiers: MedGen CN280943, MONDO:0023113. Disease mechanism: loss of function.

Submission:

Systems Biology Platform Zhejiang California International NanoSystems Institute
Classification: other for Familial colorectal cancer. Review status: no assertion criteria provided. Collection method: not provided. Allele origin: unknown.
ClinVar note: Converted during submission from cancer to other.